The following is an entry in ClinVar:

NM_000051.4(ATM):c.1282C>A (p.Pro428Thr)

Gene: ATM (ATM serine/threonine kinase; plus strand). Cytogenetic location: 11q22.3.
Variant type: single nucleotide variant.
Coding change: c.1282C>A on transcript NM_000051.4 (MANE Select); coding-DNA position 1282, C replaced by A.
Protein change: p.Pro428Thr; replaces proline 428 with threonine.
Molecular consequence: missense variant.
Genome position (GRCh38, 1-based): chr11:108,250,747, C>A. VCF-style: chr11-108250747-C-A. GRCh37 (hg19) VCF-style: chr11-108121474-C-A.
Other names: c.1282C>A, p.Pro428Thr (NM_001351834.2); short protein forms P428T.
Identifiers: ClinVar variation 2105923 (VCV002105923.4), dbSNP rs2135317184, ClinGen allele CA382533498.
Genomic context (GRCh38, chr11:108,250,747, plus strand): 5'-TTTTTTTTTTTTAGGCTACAGATTGCAACCCAATTAATATCAAAGTATCCTGCAAGTTTA[C>A]CTAACTGTGAGCTGTCTCCATTACTGATGATACTATCTCAGCTTCTACCCCAACAGCGAC-3'
Protein context (NP_000042.3, residues 418-438): QLISKYPASL[Pro428Thr]NCELSPLLMI

ClinVar aggregate classification (germline): Uncertain significance (1 of 4 stars; one submission).

Conditions:
Ataxia-telangiectasia syndrome (AT). Also called: AT, COMPLEMENTATION GROUP C; Ataxia telangiectasia (A-T); LOUIS-BAR SYNDROME; Ataxia-telangiectasia, complementation group D; Ataxia-telangiectasia, complementation group E; ATAXIA-TELANGIECTASIA, COMPLEMENTATION GROUP A. Identifiers: Orphanet 100, MedGen C0004135, MONDO:0008840, OMIM 208900.

Submission:

Labcorp Genetics (formerly Invitae), Labcorp
Classification: Uncertain significance for Ataxia-telangiectasia syndrome. Last evaluated: 2022-03-03. Review status: criteria provided, single submitter. Criteria: Invitae Variant Classification Sherloc (09022015). Collection method: clinical testing. Allele origin: germline.
Comment: In summary, the available evidence is currently insufficient to determine the role of this variant in disease. Therefore, it has been classified as a Variant of Uncertain Significance. Advanced modeling of protein sequence and biophysical properties (such as structural, functional, and spatial information, amino acid conservation, physicochemical variation, residue mobility, and thermodynamic stability) performed at Invitae indicates that this missense variant is not expected to disrupt ATM protein function. This variant has not been reported in the literature in individuals affected with ATM-related conditions. This variant is not present in population databases (gnomAD no frequency). This sequence change replaces proline, which is neutral and non-polar, with threonine, which is neutral and polar, at codon 428 of the ATM protein (p.Pro428Thr).